The following is an entry in ClinVar:

ClinVar aggregate classification (germline): Uncertain significance (1 of 4 stars; one submission).

Submission:

Clinical Genomics Laboratory, Washington University in St. Louis
Classification: Uncertain significance. Last evaluated: 2026-04-26. Review status: criteria provided, single submitter. Criteria: ACMG Guidelines, 2015. Collection method: clinical testing. Allele origin: germline.
Comment: The MARK1 c.2164C>T (p.Arg722*) variant, to our knowledge, has not been reported in the medical literature. This variant is absent from the general population (gnomAD v4.1.0), indicating it is not a common variant. This variant leads to a premature termination codon, which is predicted to lead to nonsense mediated decay. Due to limited information, the clinical significance of this variant is uncertain.

NM_018650.5(MARK1):c.2164C>T (p.Arg722Ter)

Gene: MARK1 (microtubule affinity regulating kinase 1; plus strand). Cytogenetic location: 1q41.
Variant type: single nucleotide variant.
Coding change: c.2164C>T on transcript NM_018650.5 (MANE Select); coding-DNA position 2164, C replaced by T.
Protein change: p.Arg722Ter; replaces arginine 722 with a stop codon.
Molecular consequence: nonsense.
Genome position (GRCh38, 1-based): chr1:220,661,942, C>T. VCF-style: chr1-220661942-C-T. GRCh37 (hg19) VCF-style: chr1-220835284-C-T.
Other names: c.2167C>T, p.Arg723Ter (NM_001286124.2); c.2119C>T, p.Arg707Ter (NM_001286126.2); c.2053C>T, p.Arg685Ter (NM_001286128.2); short protein forms R685*, R707*, R722*, R723*.
Identifiers: ClinVar variation 4879513 (VCV004879513.1).